The following is an entry in ClinVar:

NM_000179.3(MSH6):c.616G>T (p.Glu206Ter)

Gene: MSH6 (mutS homolog 6; plus strand). Cytogenetic location: 2p16.3.
Variant type: single nucleotide variant.
Coding change: c.616G>T on transcript NM_000179.3 (MANE Select); coding-DNA position 616, G replaced by T.
Protein change: p.Glu206Ter; replaces glutamic acid 206 with a stop codon.
Molecular consequence: nonsense. On other transcripts: 5 prime UTR variant (1), intron variant (2).
Genome position (GRCh38, 1-based): chr2:47,796,052, G>T. VCF-style: chr2-47796052-G-T. GRCh37 (hg19) VCF-style: chr2-48023191-G-T.
Other names: c.-287G>T (NM_001281494.2); c.712G>T, p.Glu238Ter (NM_001406795.1, NM_001406802.1); c.616G>T, p.Glu206Ter (NM_001406796.1, NM_001406798.1, NM_001406800.1 and 5 more transcripts); c.319G>T, p.Glu107Ter (NM_001406797.1, NM_001406801.1, NM_001406805.1 and 10 more transcripts); c.91G>T, p.Glu31Ter (NM_001406799.1, NM_001406806.1, NM_001406807.1); c.538G>T, p.Glu180Ter (NM_001406804.1); c.622G>T, p.Glu208Ter (NM_001406813.1); c.-379G>T (NM_001406814.1); and 3 more; short protein forms E31*, E208*, E107*, E180*, E150*, E206*, E238*.
Identifiers: ClinVar variation 1752002 (VCV001752002.2), dbSNP rs1387614369, ClinGen allele CA346738891.

ClinVar aggregate classification (germline): Pathogenic (1 of 4 stars; one submission).

Conditions:
Hereditary cancer-predisposing syndrome. Also called: Hereditary Cancer Syndrome; Hereditary neoplastic syndrome; Neoplastic Syndromes, Hereditary; Tumor predisposition. Identifiers: Orphanet 140162, MedGen C0027672, MeSH D009386, MONDO:0015356.

Submission:

Ambry Genetics
Classification: Pathogenic for Hereditary cancer-predisposing syndrome. Last evaluated: 2019-08-30. Review status: criteria provided, single submitter. Criteria: Ambry Variant Classification Scheme 2023. Collection method: clinical testing. Allele origin: germline.
Comment: The p.E206* pathogenic mutation (also known as c.616G>T), located in coding exon 3 of the MSH6 gene, results from a G to T substitution at nucleotide position 616. This changes the amino acid from a glutamic acid to a stop codon within coding exon 3. This alteration is expected to result in loss of function by premature protein truncation or nonsense-mediated mRNA decay. As such, this alteration is interpreted as a disease-causing mutation.